The following is an entry in ClinVar:

ClinVar aggregate classification (germline): Uncertain significance (1 of 4 stars; one submission).

Conditions:
Dyskeratosis congenita. Identifiers: Orphanet 1775, MedGen C0265965, MONDO:0015780.

gnomAD v4.1: 2 of 1,599,934 alleles (0.00013%); highest among the groups gnomAD compares: Non-Finnish European, 0.00017%; no homozygotes.

Submission:

Labcorp Genetics (formerly Invitae), Labcorp
Classification: Uncertain significance for Dyskeratosis congenita. Last evaluated: 2021-05-18. Review status: criteria provided, single submitter. Criteria: Invitae Variant Classification Sherloc (09022015). Collection method: clinical testing. Allele origin: germline.
Comment: This variant is not present in population databases (ExAC no frequency). This sequence change replaces histidine with aspartic acid at codon 533 of the CTC1 protein (p.His533Asp). The histidine residue is highly conserved and there is a moderate physicochemical difference between histidine and aspartic acid. This variant has not been reported in the literature in individuals with CTC1-related conditions. In summary, the available evidence is currently insufficient to determine the role of this variant in disease. Therefore, it has been classified as a Variant of Uncertain Significance. Algorithms developed to predict the effect of missense changes on protein structure and function are either unavailable or do not agree on the potential impact of this missense change (SIFT: "Deleterious"; PolyPhen-2: "Probably Damaging"; Align-GVGD: "Class C0").

NM_025099.6(CTC1):c.1597C>G (p.His533Asp)

Gene: CTC1 (CST telomere replication complex component 1; minus strand). Cytogenetic location: 17p13.1.
Variant type: single nucleotide variant.
Coding change: c.1597C>G on transcript NM_025099.6 (MANE Select); coding-DNA position 1597, C replaced by G.
Protein change: p.His533Asp; replaces histidine 533 with aspartic acid.
Molecular consequence: missense variant. On other transcripts: non-coding transcript variant (1).
Genome position (GRCh38, 1-based): chr17:8,234,769, G>C on the plus strand (C>G on the coding strand, the complement: CTC1 is on the minus strand). VCF-style: chr17-8234769-G-C. GRCh37 (hg19) VCF-style: chr17-8138087-G-C.
Other names: short protein forms H533D.
Identifiers: ClinVar variation 1513235 (VCV001513235.8), dbSNP rs1302748336, ClinGen allele CA397983634.